The following is an entry in ClinVar:

ClinVar aggregate classification (germline): Uncertain significance (1 of 4 stars; one submission).

Conditions:
X-linked lymphoproliferative disease due to XIAP deficiency. Also called: XIAP-Related Lymphoproliferative Disease, X-Linked; XIAP DEFICIENCY. Identifiers: Orphanet 2442, Orphanet 538934, MedGen C1845076, MONDO:0010385, OMIM 300635.

Submission:

Labcorp Genetics (formerly Invitae), Labcorp
Classification: Uncertain significance for X-linked lymphoproliferative disease due to XIAP deficiency. Last evaluated: 2024-02-19. Review status: criteria provided, single submitter. Criteria: Invitae Variant Classification Sherloc (09022015). Collection method: clinical testing. Allele origin: germline.
Comment: This sequence change replaces valine, which is neutral and non-polar, with glycine, which is neutral and non-polar, at codon 70 of the XIAP protein (p.Val70Gly). This variant is not present in population databases (gnomAD no frequency). This variant has not been reported in the literature in individuals affected with XIAP-related conditions. Advanced modeling of protein sequence and biophysical properties (such as structural, functional, and spatial information, amino acid conservation, physicochemical variation, residue mobility, and thermodynamic stability) has been performed at Invitae for this missense variant, however the output from this modeling did not meet the statistical confidence thresholds required to predict the impact of this variant on XIAP protein function. In summary, the available evidence is currently insufficient to determine the role of this variant in disease. Therefore, it has been classified as a Variant of Uncertain Significance.

NM_001167.4(XIAP):c.209T>G (p.Val70Gly)

Gene: XIAP (X-linked inhibitor of apoptosis; plus strand). Cytogenetic location: Xq25.
Variant type: single nucleotide variant.
Coding change: c.209T>G on transcript NM_001167.4 (MANE Select); coding-DNA position 209, T replaced by G.
Protein change: p.Val70Gly; replaces valine 70 with glycine.
Molecular consequence: missense variant.
Genome position (GRCh38, 1-based): chrX:123,885,871, T>G. VCF-style: chrX-123885871-T-G. GRCh37 (hg19) VCF-style: chrX-123019721-T-G.
Other names: c.209T>G, p.Val70Gly (NM_001204401.2, NM_001378590.1, NM_001378591.1 and 1 more transcripts); short protein forms V70G.
Identifiers: ClinVar variation 2812929 (VCV002812929.3), dbSNP rs2522584640, ClinGen allele CA414122946.